The following is an entry in ClinVar:

ClinVar aggregate classification (germline): Conflicting classifications of pathogenicity. Review status: criteria provided, conflicting classifications (1 of 4 stars). 4 submissions from 4 submitters: Uncertain significance (3); Likely benign (1). Last evaluated 2026-06-30.

Conditions:
GSDME-related disorder. Also called: GSDME-related condition.
Autosomal dominant nonsyndromic hearing loss 5. Identifiers: Orphanet 90635, MedGen C1832932, MONDO:0010973, OMIM 600994.

Submissions (4):

PreventionGenetics, part of Exact Sciences
Classification: Uncertain significance for GSDME-related condition. Last evaluated: 2026-06-30. Review status: criteria provided, single submitter. Criteria: ACMG Guidelines, 2015. Collection method: clinical testing. Allele origin: germline.
Comment: The GSDME c.314dupG variant is predicted to result in a frameshift and premature protein termination (p.Ser106Glnfs*48). To our knowledge, this variant has not been reported in the literature. This variant is reported in 0.049% of alleles in individuals of Latino descent in gnomAD. Although we suspect that this variant may be benign, at this time, the clinical significance of this variant is uncertain due to the absence of conclusive functional and genetic evidence.

Labcorp Genetics (formerly Invitae), Labcorp
Classification: Likely benign. Last evaluated: 2024-11-16. Review status: criteria provided, single submitter. Criteria: Invitae Variant Classification Sherloc (09022015). Collection method: clinical testing. Allele origin: germline.

GeneDx
Classification: Uncertain significance. Last evaluated: 2022-08-25. Review status: criteria provided, single submitter. Criteria: GeneDx Variant Classification Process June 2021. Collection method: clinical testing. Allele origin: germline. Affected: yes.
Comment: Frameshift variant predicted to result in protein truncation or nonsense mediated decay in a gene for which loss-of-function is not a known mechanism of disease; Has not been previously published as pathogenic or benign to our knowledge; This variant is associated with the following publications: (PMID: 27535533)

Fulgent Genetics
Classification: Uncertain significance for Autosomal dominant nonsyndromic hearing loss 5. Last evaluated: 2021-09-23. Review status: criteria provided, single submitter. Criteria: ACMG Guidelines, 2015. Collection method: clinical testing. Allele origin: unknown.

NM_001127453.2(GSDME):c.314dup (p.Ser106fs)

Gene: GSDME (gasdermin E; minus strand). Cytogenetic location: 7p15.3.
Variant type: Duplication.
Coding change: c.314dup on transcript NM_001127453.2 (MANE Select); coding-DNA position 314, one base duplicated (G; older notation c.314dupG).
Protein change: p.Ser106fs; shifts the reading frame from serine 106.
Molecular consequence: frameshift variant. On other transcripts: 5 prime UTR variant (1).
Genome position (GRCh38, 1-based): chr7:24,744,652, C duplicated on the plus strand (G on the coding strand, the reverse complement: GSDME is on the minus strand); the first of 6 consecutive C bases (chr7:24,744,652-24,744,657); duplicating any one gives the same sequence. VCF-style (leftmost placement, unchanged base first): chr7-24744651-G-GC. GRCh37 (hg19) VCF-style: chr7-24784270-G-GC.
Other names: c.314dupG (NM_004403.2); c.-179dup (NM_001127454.2); c.314dup, p.Ser106fs (NM_004403.3); short protein forms S106fs.
Identifiers: ClinVar variation 1327394 (VCV001327394.8), dbSNP rs755613828, ClinGen allele CA4191775.